The following is an entry in ClinVar:

ClinVar aggregate classification (germline): Uncertain significance (1 of 4 stars; one submission).

Allele frequency attached by ClinVar (database versions not stated): gnomAD exomes below 0.00001; TOPMed 0.00001.
gnomAD v4.1: 1 of 1,614,102 alleles (0.000062%); highest among the groups gnomAD compares: Admixed American, 0.0017%; no homozygotes.

Submission:

Labcorp Genetics (formerly Invitae), Labcorp
Classification: Uncertain significance. Last evaluated: 2022-08-16. Review status: criteria provided, single submitter. Criteria: Invitae Variant Classification Sherloc (09022015). Collection method: clinical testing. Allele origin: germline.
Comment: This sequence change replaces valine, which is neutral and non-polar, with glycine, which is neutral and non-polar, at codon 243 of the HPS4 protein (p.Val243Gly). This variant is not present in population databases (gnomAD no frequency). This variant has not been reported in the literature in individuals affected with HPS4-related conditions. ClinVar contains an entry for this variant (Variation ID: 1486311). Algorithms developed to predict the effect of missense changes on protein structure and function are either unavailable or do not agree on the potential impact of this missense change (SIFT: "Deleterious"; PolyPhen-2: "Probably Damaging"; Align-GVGD: "Class C0"). In summary, the available evidence is currently insufficient to determine the role of this variant in disease. Therefore, it has been classified as a Variant of Uncertain Significance.

NM_022081.6(HPS4):c.728T>G (p.Val243Gly)

Gene: HPS4 (HPS4 biogenesis of lysosomal organelles complex 3 subunit 2; minus strand). Cytogenetic location: 22q12.1.
Variant type: single nucleotide variant.
Coding change: c.728T>G on transcript NM_022081.6 (MANE Select); coding-DNA position 728, T replaced by G.
Protein change: p.Val243Gly; replaces valine 243 with glycine.
Molecular consequence: missense variant. On other transcripts: non-coding transcript variant (8).
Genome position (GRCh38, 1-based): chr22:26,465,530, A>C on the plus strand (T>G on the coding strand, the complement: HPS4 is on the minus strand). VCF-style: chr22-26465530-A-C. GRCh37 (hg19) VCF-style: chr22-26861496-A-C.
Other names: c.728T>G, p.Val243Gly (NM_001349896.1, NM_001349898.2, NM_001349899.2 and 4 more transcripts); c.782T>G, p.Val261Gly (NM_001349900.2, NM_001349901.1); c.713T>G, p.Val238Gly (NM_152841.2); short protein forms V243G, V261G, V238G.
Identifiers: ClinVar variation 1486311 (VCV001486311.3), dbSNP rs2088376186, ClinGen allele CA411029220.